The following is an entry in ClinVar:

NM_152564.5(VPS13B):c.10881G>A (p.Gly3627=)

Gene: VPS13B (vacuolar protein sorting 13 homolog B; plus strand). Cytogenetic location: 8q22.2.
Variant type: single nucleotide variant.
Coding change: c.10881G>A on transcript NM_152564.5 (MANE Select); coding-DNA position 10881, G replaced by A.
Protein change: p.Gly3627=; no amino-acid change (glycine 3627 retained).
Molecular consequence: synonymous variant.
Genome position (GRCh38, 1-based): chr8:99,859,317, G>A. VCF-style: chr8-99859317-G-A. GRCh37 (hg19) VCF-style: chr8-100871545-G-A.
Other names: c.10881G>A (NM_152564.4); c.10956G>A, p.Gly3652= (NM_017890.5).
Identifiers: ClinVar variation 588142 (VCV000588142.11), dbSNP rs770336524, ClinGen allele CA4825059.
Genomic context (GRCh38, chr8:99,859,317, plus strand): 5'-TTCTGCATTTGAGGTTTCAATCACCCCTTCCCTCTTGTGCGTTGCAGGCTGGGTAGTTGG[G>A]TCTCTGGATATTCTTGGCAGCCCTGCAAGCCTGGTGAGAAGCATCGGGAACGGGGTCGCC-3'
Protein context (NP_689777.3, residues 3617-3637): GALFRAGWVV[Gly3627=]SLDILGSPAS

ClinVar aggregate classification (germline): Likely benign. Review status: criteria provided, multiple submitters, no conflicts (2 of 4 stars). 3 submissions from 3 submitters: Likely benign (2). 1 of the submissions does not count toward it. Last evaluated 2023-03-28.

Conditions:
Inborn genetic diseases. Identifiers: MedGen C0950123, MeSH D030342.
VPS13B-related disorder. Also called: VPS13B-related condition.
Cohen syndrome (COH1). Also called: PEPPER SYNDROME; Cutis verticis gyrata, retinitis pigmentosa, and sensorineural deafness. Identifiers: Orphanet 193, MedGen C0265223, MONDO:0008999, OMIM 216550.

Allele frequency attached by ClinVar (database versions not stated): gnomAD 0.00001; gnomAD exomes 0.00001 and 0.00002; ExAC 0.00005.
gnomAD v4.1: 8 of 1,613,588 alleles (0.0005%); highest among the groups gnomAD compares: Admixed American, 0.012%; no homozygotes.

Submissions (3):

Labcorp Genetics (formerly Invitae), Labcorp
Classification: Likely benign for Cohen syndrome. Last evaluated: 2023-03-28. Review status: criteria provided, single submitter. Criteria: Invitae Variant Classification Sherloc (09022015). Collection method: clinical testing. Allele origin: germline.

Ambry Genetics
Classification: Likely benign for Inborn genetic diseases. Last evaluated: 2016-08-15. Review status: criteria provided, single submitter. Criteria: Ambry Variant Classification Scheme 2023. Collection method: clinical testing. Allele origin: germline.

PreventionGenetics, part of Exact Sciences
Classification: Likely benign for VPS13B-related condition. Last evaluated: 2021-08-16. Review status: no assertion criteria provided. Collection method: clinical testing. Allele origin: germline. Not counted in ClinVar's aggregate classification.
Comment: This variant is classified as likely benign based on ACMG/AMP sequence variant interpretation guidelines (Richards et al. 2015 PMID: 25741868, with internal and published modifications).